The following is an entry in ClinVar:

NM_004958.4(MTOR):c.7595C>G (p.Ala2532Gly)

Gene: MTOR (mechanistic target of rapamycin kinase; minus strand). Cytogenetic location: 1p36.22.
Variant type: single nucleotide variant.
Coding change: c.7595C>G on transcript NM_004958.4 (MANE Select); coding-DNA position 7595, C replaced by G.
Protein change: p.Ala2532Gly; replaces alanine 2532 with glycine.
Molecular consequence: missense variant.
Genome position (GRCh38, 1-based): chr1:11,108,220, G>C on the plus strand (C>G on the coding strand, the complement: MTOR is on the minus strand). VCF-style: chr1-11108220-G-C. GRCh37 (hg19) VCF-style: chr1-11168277-G-C.
Other names: c.7595C>G, p.Ala2532Gly (NM_001386500.1); c.6347C>G, p.Ala2116Gly (NM_001386501.1); short protein forms A2116G, A2532G.
Identifiers: ClinVar variation 1374970 (VCV001374970.8), dbSNP rs771419089, ClinGen allele CA588783.

ClinVar aggregate classification (germline): Uncertain significance (1 of 4 stars; one submission).

Allele frequency attached by ClinVar (database versions not stated): gnomAD exomes below 0.00001; ExAC 0.00001; TOPMed 0.00001.
gnomAD v4.1: 1 of 1,613,796 alleles (0.000062%); highest among the groups gnomAD compares: African/African-American, 0.0013%; no homozygotes.

Submission:

Labcorp Genetics (formerly Invitae), Labcorp
Classification: Uncertain significance. Last evaluated: 2021-02-22. Review status: criteria provided, single submitter. Criteria: Invitae Variant Classification Sherloc (09022015). Collection method: clinical testing. Allele origin: germline.
Comment: This sequence change replaces alanine with glycine at codon 2532 of the MTOR protein (p.Ala2532Gly). The alanine residue is highly conserved and there is a small physicochemical difference between alanine and glycine. This variant is present in population databases (rs771419089, ExAC 0.01%). This variant has not been reported in the literature in individuals with MTOR-related conditions. Advanced modeling of protein sequence and biophysical properties (such as structural, functional, and spatial information, amino acid conservation, physicochemical variation, residue mobility, and thermodynamic stability) performed at Invitae indicates that this missense variant is expected to disrupt MTOR protein function. In summary, the available evidence is currently insufficient to determine the role of this variant in disease. Therefore, it has been classified as a Variant of Uncertain Significance.